The following is an entry in ClinVar:

NM_001298.3(CNGA3):c.1101T>C (p.Gly367=)

Gene: CNGA3 (cyclic nucleotide gated channel subunit alpha 3; plus strand). Cytogenetic location: 2q11.2.
Variant type: single nucleotide variant.
Coding change: c.1101T>C on transcript NM_001298.3 (MANE Select); coding-DNA position 1101, T replaced by C.
Protein change: p.Gly367=; no amino-acid change (glycine 367 retained).
Molecular consequence: synonymous variant.
Genome position (GRCh38, 1-based): chr2:98,396,271, T>C. VCF-style: chr2-98396271-T-C. GRCh37 (hg19) VCF-style: chr2-99012734-T-C.
Other names: c.1047T>C, p.Gly349= (NM_001079878.2); c.1101T>C (NM_001298.2).
Identifiers: ClinVar variation 1150710 (VCV001150710.15), dbSNP rs200069389, ClinGen allele CA1793943.

ClinVar aggregate classification (germline): Likely benign. Review status: criteria provided, multiple submitters, no conflicts (2 of 4 stars). 6 submissions from 6 submitters: Likely benign (3). 3 of the submissions do not count toward it. Last evaluated 2026-01-27.

Conditions:
CNGA3-related disorder. Also called: CNGA3-related condition.

Allele frequency attached by ClinVar (database versions not stated): ESP Exome Variant Server 0.00023; gnomAD exomes 0.00030; ExAC 0.00032; gnomAD 0.00032 and 0.00034.
gnomAD v4.1: 481 of 1,611,906 alleles (0.03%); highest among the groups gnomAD compares: Admixed American, 0.078%; 1 homozygote.

Submissions (6):

Labcorp Genetics (formerly Invitae), Labcorp
Classification: Likely benign. Last evaluated: 2026-01-27. Review status: criteria provided, single submitter. Criteria: Invitae Variant Classification Sherloc (09022015). Collection method: clinical testing. Allele origin: germline.

Blueprint Genetics
Classification: Likely benign. Last evaluated: 2024-09-20. Review status: criteria provided, single submitter. Criteria: ACMG Guidelines, 2015. Collection method: clinical testing. Allele origin: germline.

Breakthrough Genomics
Classification: Likely benign. Review status: criteria provided, single submitter. Criteria: ACMG Guidelines, 2015. Collection method: not provided. Allele origin: germline. Inheritance: Autosomal recessive inheritance. Affected: yes.

PreventionGenetics, part of Exact Sciences
Classification: Likely benign for CNGA3-related condition. Last evaluated: 2023-08-04. Review status: no assertion criteria provided. Collection method: clinical testing. Allele origin: germline. Not counted in ClinVar's aggregate classification.
Comment: This variant is classified as likely benign based on ACMG/AMP sequence variant interpretation guidelines (Richards et al. 2015 PMID: 25741868, with internal and published modifications).

Clinical Genetics DNA and cytogenetics Diagnostics Lab, Erasmus MC, Erasmus Medical Center
Classification: Likely benign. Review status: no assertion criteria provided. Collection method: clinical testing. Allele origin: germline. Affected: yes. Study: VKGL Data-share Consensus. Not counted in ClinVar's aggregate classification.

Clinical Genetics, Academic Medical Center
Classification: Benign. Review status: no assertion criteria provided. Collection method: clinical testing. Allele origin: germline. Affected: yes. Study: VKGL Data-share Consensus. Not counted in ClinVar's aggregate classification.